The following is an entry in ClinVar:

NM_006494.4(ERF):c.794C>A (p.Ser265Tyr)

Gene: ERF (ETS2 repressor factor; minus strand). Cytogenetic location: 19q13.2.
Variant type: single nucleotide variant.
Coding change: c.794C>A on transcript NM_006494.4 (MANE Select); coding-DNA position 794, C replaced by A.
Protein change: p.Ser265Tyr; replaces serine 265 with tyrosine.
Molecular consequence: missense variant.
Genome position (GRCh38, 1-based): chr19:42,249,318, G>T on the plus strand (C>A on the coding strand, the complement: ERF is on the minus strand). VCF-style: chr19-42249318-G-T. GRCh37 (hg19) VCF-style: chr19-42753470-G-T.
Other names: c.569C>A, p.Ser190Tyr (NM_001301035.2, NM_001308402.2, NM_001312656.2); short protein forms S190Y, S265Y.
Identifiers: ClinVar variation 3766408 (VCV003766408.1).
Genomic context (GRCh38, chr19:42,249,318, plus strand): 5'-GGGCTCAGCGTGGGCGAGGGAGTGTAGGCCAGGTGGGTGGGCGTCATGGGCAGAGCCGGG[G>T]AGAGCTGAGGGGGCAGCAGGGATCCAGGACCGGCCAGAGGCGACACAGGGAAGGGGCTGA-3'
Protein context (NP_006485.2, residues 255-275): GPGSLLPPQL[Ser265Tyr]PALPMTPTHL

ClinVar aggregate classification (germline): Uncertain significance (1 of 4 stars; one submission).

Submission:

GeneDx
Classification: Uncertain significance. Last evaluated: 2024-08-27. Review status: criteria provided, single submitter. Criteria: GeneDx Variant Classification Process June 2021. Collection method: clinical testing. Allele origin: germline. Affected: yes.
Comment: Not observed at significant frequency in large population cohorts (gnomAD); In silico analysis indicates that this missense variant does not alter protein structure/function; Has not been previously published as pathogenic or benign to our knowledge